The following is an entry in ClinVar:

NM_001382391.1(CSPP1):c.200-5dup

Gene: CSPP1 (centrosome and spindle pole associated protein 1; plus strand). Cytogenetic location: 8q13.1.
Variant type: Duplication.
Coding change: c.200-5dup on transcript NM_001382391.1 (MANE Select); 5 bases into the intron before coding-DNA position 200, one base duplicated (T; older notation c.200-5dupT).
Molecular consequence: intron variant.
Genome position (GRCh38, 1-based): chr8:67,086,002, T duplicated; the last of 8 consecutive T bases (chr8:67,085,995-67,086,002); duplicating any one gives the same sequence. VCF-style (leftmost placement, unchanged base first): chr8-67085994-G-GT. GRCh37 (hg19) VCF-style: chr8-67998229-G-GT.
Other names: c.308-5dupT (NM_024790.6); c.200-5dup (NM_001363132.2, NM_001363131.2, NM_001363133.2); c.308-5dup (NM_001364869.1, NM_024790.7, NM_001438331.1 and 3 more transcripts); c.-575-5dup (NM_001291339.2).
Identifiers: ClinVar variation 1166575 (VCV001166575.12), dbSNP rs775661180, ClinGen allele CA4770172.

ClinVar aggregate classification (germline): Benign/Likely benign. Review status: criteria provided, multiple submitters, no conflicts (2 of 4 stars). 3 submissions from 3 submitters: Benign (1); Likely benign (1). 1 of the submissions does not count toward it. Last evaluated 2025-10-06.

Conditions:
Joubert syndrome 21 (JBTS21). Identifiers: MedGen C3810212, MONDO:0014288, OMIM 615636.
CSPP1-related disorder. Also called: CSPP1-related condition.

Submissions (3):

Labcorp Genetics (formerly Invitae), Labcorp
Classification: Benign for Joubert syndrome 21. Last evaluated: 2025-10-06. Review status: criteria provided, single submitter. Criteria: Invitae Variant Classification Sherloc (09022015). Collection method: clinical testing. Allele origin: germline.

Blueprint Genetics
Classification: Likely benign. Last evaluated: 2024-11-19. Review status: criteria provided, single submitter. Criteria: ACMG Guidelines, 2015. Collection method: clinical testing. Allele origin: germline.

PreventionGenetics, part of Exact Sciences
Classification: Likely benign for CSPP1-related condition. Last evaluated: 2019-05-20. Review status: no assertion criteria provided. Collection method: clinical testing. Allele origin: germline. Not counted in ClinVar's aggregate classification.
Comment: This variant is classified as likely benign based on ACMG/AMP sequence variant interpretation guidelines (Richards et al. 2015 PMID: 25741868, with internal and published modifications).